The following is an entry in ClinVar:

ClinVar aggregate classification (germline): Uncertain significance. Review status: criteria provided, multiple submitters, no conflicts (2 of 4 stars). 2 submissions from 2 submitters: Uncertain significance (2). Last evaluated 2025-11-02.

Conditions:
Hereditary cancer-predisposing syndrome. Also called: Hereditary Cancer Syndrome; Tumor predisposition; Hereditary neoplastic syndrome; Neoplastic Syndromes, Hereditary. Identifiers: Orphanet 140162, MedGen C0027672, MeSH D009386, MONDO:0015356.
Cardiovascular phenotype. Identifiers: MedGen CN230736.

Allele frequency attached by ClinVar (database versions not stated): gnomAD exomes below 0.00001; ExAC 0.00001; gnomAD 0.00001; TOPMed 0.00001.
gnomAD v4.1: 8 of 1,613,944 alleles (0.0005%); highest among the groups gnomAD compares: East Asian, 0.0022%; no homozygotes.

Submissions (2):

Ambry Genetics
Classification: Uncertain significance for Cardiovascular phenotype; Hereditary cancer-predisposing syndrome. Last evaluated: 2025-11-02. Review status: criteria provided, single submitter. Criteria: Ambry Variant Classification Scheme 2023. Collection method: clinical testing. Allele origin: germline.
Comment: The p.H178R variant (also known as c.533A>G), located in coding exon 6 of the LZTR1 gene, results from an A to G substitution at nucleotide position 533. The histidine at codon 178 is replaced by arginine, an amino acid with highly similar properties. This amino acid position is conserved. In addition, this alteration is predicted to be deleterious by in silico analysis. Since supporting evidence is limited at this time, the clinical significance of this alteration remains unclear.

Labcorp Genetics (formerly Invitae), Labcorp
Classification: Uncertain significance. Last evaluated: 2024-11-25. Review status: criteria provided, single submitter. Criteria: Invitae Variant Classification Sherloc (09022015). Collection method: clinical testing. Allele origin: germline.
Comment: This sequence change replaces histidine, which is basic and polar, with arginine, which is basic and polar, at codon 178 of the LZTR1 protein (p.His178Arg). This variant is present in population databases (rs775028367, gnomAD 0.003%). This variant has not been reported in the literature in individuals affected with LZTR1-related conditions. ClinVar contains an entry for this variant (Variation ID: 1417239). Invitae Evidence Modeling of protein sequence and biophysical properties (such as structural, functional, and spatial information, amino acid conservation, physicochemical variation, residue mobility, and thermodynamic stability) indicates that this missense variant is not expected to disrupt LZTR1 protein function with a negative predictive value of 80%. In summary, the available evidence is currently insufficient to determine the role of this variant in disease. Therefore, it has been classified as a Variant of Uncertain Significance.

NM_006767.4(LZTR1):c.533A>G (p.His178Arg)

Gene: LZTR1 (leucine zipper like post translational regulator 1; plus strand). Cytogenetic location: 22q11.21.
Variant type: single nucleotide variant.
Coding change: c.533A>G on transcript NM_006767.4 (MANE Select); coding-DNA position 533, A replaced by G.
Protein change: p.His178Arg; replaces histidine 178 with arginine.
Molecular consequence: missense variant.
Genome position (GRCh38, 1-based): chr22:20,988,812, A>G. VCF-style: chr22-20988812-A-G. GRCh37 (hg19) VCF-style: chr22-21343101-A-G.
Other names: short protein forms H178R.
Identifiers: ClinVar variation 1417239 (VCV001417239.8), dbSNP rs775028367, ClinGen allele CA10118481.
Genomic context (GRCh38, chr22:20,988,812, plus strand): 5'-GCGGCCTCACTCCCTCCCCTCTTCCCTCACACTCCAGGTTGCCAGTCGCTAGGTCAGCCC[A>G]TGGGGCCACGGTGTACAGTGACAAGCTGTGGATCTTTGCTGGCTATGACGGCAACGCCAG-3'
Protein context (NP_006758.2, residues 168-188): EGRLPVARSA[His178Arg]GATVYSDKLW